The following is an entry in ClinVar:

ClinVar aggregate classification (germline): Likely benign (1 of 4 stars; one submission).

Conditions:
ARID5B-related disorder. Also called: ARID5B-related condition.

gnomAD v4.1: 179 of 1,614,180 alleles (0.011%); highest among the groups gnomAD compares: Middle Eastern, 0.15%; 2 homozygotes.

Submission:

PreventionGenetics, part of Exact Sciences
Classification: Likely benign for ARID5B-related condition. Last evaluated: 2025-10-23. Review status: criteria provided, single submitter. Criteria: ACMG Guidelines, 2015. Collection method: clinical testing. Allele origin: germline.
Comment: This variant is classified as likely benign based on ACMG/AMP sequence variant interpretation guidelines (Richards et al. 2015 PMID: 25741868, with internal and published modifications).

NM_032199.3(ARID5B):c.435G>A (p.Lys145=)

Gene: ARID5B (AT-rich interaction domain 5B; plus strand). Cytogenetic location: 10q21.2.
Variant type: single nucleotide variant.
Coding change: c.435G>A on transcript NM_032199.3 (MANE Select); coding-DNA position 435, G replaced by A.
Protein change: p.Lys145=; no amino-acid change (lysine 145 retained).
Molecular consequence: synonymous variant.
Genome position (GRCh38, 1-based): chr10:61,940,341, G>A. VCF-style: chr10-61940341-G-A. GRCh37 (hg19) VCF-style: chr10-63700100-G-A.
Identifiers: ClinVar variation 4980469 (VCV004980469.1).